The following is an entry in ClinVar:

ClinVar aggregate classification (germline): Uncertain significance (1 of 4 stars; one submission).

Submission:

Ambry Genetics
Classification: Uncertain significance. Last evaluated: 2026-07-07. Review status: criteria provided, single submitter. Criteria: Ambry Variant Classification Scheme 2023. Collection method: clinical testing. Allele origin: germline.
Comment: The p.D701Y variant (also known as c.2101G>T), located in coding exon 9 of the WNK2 gene, results from a G to T substitution at nucleotide position 2101. The aspartic acid at codon 701 is replaced by tyrosine, an amino acid with highly dissimilar properties. This amino acid position is conserved. In addition, this alteration is predicted to be tolerated by in silico analysis. Based on the available evidence, the clinical significance of this variant remains unclear.

NM_006648.4(WNK2):c.2101G>T (p.Asp701Tyr)

Gene: WNK2 (WNK lysine deficient protein kinase 2; plus strand). Cytogenetic location: 9q22.31.
Variant type: single nucleotide variant.
Coding change: c.2101G>T on transcript NM_006648.4 (MANE Select); coding-DNA position 2101, G replaced by T.
Protein change: p.Asp701Tyr; replaces aspartic acid 701 with tyrosine.
Molecular consequence: missense variant.
Genome position (GRCh38, 1-based): chr9:93,256,365, G>T. VCF-style: chr9-93256365-G-T. GRCh37 (hg19) VCF-style: chr9-96018647-G-T.
Other names: c.2101G>T, p.Asp701Tyr (NM_001282394.3); short protein forms D701Y.
Identifiers: ClinVar variation 5031831 (VCV005031831.1).